The following is an entry in ClinVar:

ClinVar aggregate classification (germline): Likely pathogenic (1 of 4 stars; one submission).

Submission:

GeneDx
Classification: Likely pathogenic. Last evaluated: 2025-03-31. Review status: criteria provided, single submitter. Criteria: GeneDx Variant Classification Process June 2021. Collection method: clinical testing. Allele origin: germline. Affected: yes.
Comment: Not observed at significant frequency in large population cohorts (gnomAD); In silico analysis supports that this missense variant has a deleterious effect on protein structure/function; In silico analysis suggests this variant may impact gene splicing. In the absence of RNA/functional studies, the actual effect of this sequence change is unknown.; This variant is associated with the following publications: (PMID: 15575979, 21821710, 36466884)

NM_000215.4(JAK3):c.301A>G (p.Arg101Gly)

Gene: JAK3 (Janus kinase 3; minus strand). Cytogenetic location: 19p13.11.
Variant type: single nucleotide variant.
Coding change: c.301A>G on transcript NM_000215.4 (MANE Select); coding-DNA position 301, A replaced by G.
Protein change: p.Arg101Gly; replaces arginine 101 with glycine.
Molecular consequence: missense variant.
Genome position (GRCh38, 1-based): chr19:17,843,784, T>C on the plus strand (A>G on the coding strand, the complement: JAK3 is on the minus strand). VCF-style: chr19-17843784-T-C. GRCh37 (hg19) VCF-style: chr19-17954593-T-C.
Other names: c.301A>G, p.Arg101Gly (NM_001440439.1); short protein forms R101G.
Identifiers: ClinVar variation 4278628 (VCV004278628.1).